The following is an entry in ClinVar:

ClinVar aggregate classification (germline): Pathogenic (1 of 4 stars; one submission).

Conditions:
Fanconi anemia (FA). Also called: Fanconi's anemia. Identifiers: Orphanet 84, MedGen C0015625, MeSH D005199, MONDO:0019391.

Submission:

Labcorp Genetics (formerly Invitae), Labcorp
Classification: Pathogenic for Fanconi anemia. Last evaluated: 2023-10-11. Review status: criteria provided, single submitter. Criteria: Invitae Variant Classification Sherloc (09022015). Collection method: clinical testing. Allele origin: germline.
Comment: This variant is a gross deletion of the genomic region encompassing exon(s) 21-28 of the FANCA gene. This deletion is out-of-frame, and is expected to create a premature termination codon and result in an absent or disrupted protein product. Loss-of-function variants in FANCA are known to be pathogenic (PMID: 19367192). A similar copy number variant has been observed in individual(s) with Fanconi anemia (PMID: 11344308, 24584348, 29098742). In at least one individual the data is consistent with being in trans (on the opposite chromosome) from a pathogenic variant. For these reasons, this variant has been classified as Pathogenic.

Literature cited by the submitters: PubMed 19367192; PubMed 11344308; PubMed 24584348; PubMed 29098742.

NC_000016.10:g.(?_89764807)_(89775825_?)del

Gene: FANCA (FA complementation group A; minus strand). Cytogenetic location: 16q24.3.
Variant type: Deletion.
Identifiers: ClinVar variation 830595 (VCV000830595.6).